The following is an entry in ClinVar:

NM_002653.5(PITX1):c.421C>A (p.Arg141=)

Gene: PITX1 (paired like homeodomain 1; minus strand). Cytogenetic location: 5q31.1.
Variant type: single nucleotide variant.
Coding change: c.421C>A on transcript NM_002653.5 (MANE Select); coding-DNA position 421, C replaced by A.
Protein change: p.Arg141=; no amino-acid change (arginine 141 retained).
Molecular consequence: synonymous variant.
Genome position (GRCh38, 1-based): chr5:135,029,303, G>T on the plus strand (C>A on the coding strand, the complement: PITX1 is on the minus strand). VCF-style: chr5-135029303-G-T. GRCh37 (hg19) VCF-style: chr5-134364993-G-T.
Other names: c.421C>A (NM_002653.4).
Identifiers: ClinVar variation 1578116 (VCV001578116.10), dbSNP rs371250970, ClinGen allele CA128009680.

ClinVar aggregate classification (germline): Likely benign. Review status: criteria provided, single submitter (1 of 4 stars). 2 submissions from 2 submitters: Likely benign (1). 1 of the submissions does not count toward it. Last evaluated 2024-06-17.

Conditions:
PITX1-related disorder. Also called: PITX1-related condition.

Allele frequency attached by ClinVar (database versions not stated): gnomAD exomes below 0.00001; TOPMed 0.00003; gnomAD 0.00004 and 0.00005.
gnomAD v4.1: 13 of 1,599,080 alleles (0.00081%); highest among the groups gnomAD compares: East Asian, 0.0067%; no homozygotes.

Submissions (2):

Labcorp Genetics (formerly Invitae), Labcorp
Classification: Likely benign. Last evaluated: 2024-06-17. Review status: criteria provided, single submitter. Criteria: Invitae Variant Classification Sherloc (09022015). Collection method: clinical testing. Allele origin: germline.

PreventionGenetics, part of Exact Sciences
Classification: Likely benign for PITX1-related condition. Last evaluated: 2019-03-27. Review status: no assertion criteria provided. Collection method: clinical testing. Allele origin: germline. Not counted in ClinVar's aggregate classification.
Comment: This variant is classified as likely benign based on ACMG/AMP sequence variant interpretation guidelines (Richards et al. 2015 PMID: 25741868, with internal and published modifications).